The following is an entry in ClinVar:

NM_001232.4(CASQ2):c.682C>T (p.Pro228Ser)

Gene: CASQ2 (calsequestrin 2; minus strand). Cytogenetic location: 1p13.1.
Variant type: single nucleotide variant.
Coding change: c.682C>T on transcript NM_001232.4 (MANE Select); coding-DNA position 682, C replaced by T.
Protein change: p.Pro228Ser; replaces proline 228 with serine.
Molecular consequence: missense variant.
Genome position (GRCh38, 1-based): chr1:115,727,047, G>A on the plus strand (C>T on the coding strand, the complement: CASQ2 is on the minus strand). VCF-style: chr1-115727047-G-A. GRCh37 (hg19) VCF-style: chr1-116269668-G-A.
Other names: short protein forms P228S.
Identifiers: ClinVar variation 4219486 (VCV004219486.1).

ClinVar aggregate classification (germline): Uncertain significance (1 of 4 stars; one submission).

Conditions:
Cardiovascular phenotype. Identifiers: MedGen CN230736.

Submission:

Ambry Genetics
Classification: Uncertain significance for Cardiovascular phenotype. Last evaluated: 2025-08-30. Review status: criteria provided, single submitter. Criteria: Ambry Variant Classification Scheme 2023. Collection method: clinical testing. Allele origin: germline.
Comment: The p.P228S variant (also known as c.682C>T), located in coding exon 6 of the CASQ2 gene, results from a C to T substitution at nucleotide position 682. The proline at codon 228 is replaced by serine, an amino acid with similar properties. This amino acid position is conserved. In addition, this alteration is predicted to be deleterious by in silico analysis. Based on the available evidence, the clinical significance of this variant remains unclear.